The following is an entry in ClinVar:

ClinVar aggregate classification (germline): Likely benign (0 of 4 stars; one submission).

Conditions:
DOCK8-related disorder. Also called: DOCK8-related condition.

Submission:

PreventionGenetics, part of Exact Sciences
Classification: Likely benign for DOCK8-related condition. Last evaluated: 2023-01-17. Review status: no assertion criteria provided. Collection method: clinical testing. Allele origin: germline.
Comment: This variant is classified as likely benign based on ACMG/AMP sequence variant interpretation guidelines (Richards et al. 2015 PMID: 25741868, with internal and published modifications).

NM_203447.4(DOCK8):c.1455C>T (p.Phe485=)

Gene: DOCK8 (dedicator of cytokinesis 8; plus strand). Cytogenetic location: 9p24.3.
Variant type: single nucleotide variant.
Coding change: c.1455C>T on transcript NM_203447.4 (MANE Select); coding-DNA position 1455, C replaced by T.
Protein change: p.Phe485=; no amino-acid change (phenylalanine 485 retained).
Molecular consequence: synonymous variant.
Genome position (GRCh38, 1-based): chr9:339,038, C>T. VCF-style: chr9-339038-C-T. GRCh37 (hg19) VCF-style: chr9-339038-C-T.
Other names: c.1251C>T, p.Phe417= (NM_001190458.2, NM_001193536.2).
Identifiers: ClinVar variation 3045865 (VCV003045865.2), dbSNP rs1243649740, ClinGen allele CA463682200.
Genomic context (GRCh38, chr9:339,038, plus strand): 5'-ACATTAACTCTGACTTTTCTCTTGGCAGGAAGGAGATCGCCTTAGCGATGAAGACTTATT[C>T]AAGTTTTTAGCTGACTACAAAAGATCATCATCCTTACAGAGACGAGTCAAGTCAATTCCA-3'
Protein context (NP_982272.2, residues 475-495): EGDRLSDEDL[Phe485=]KFLADYKRSS